The following is an entry in ClinVar:

ClinVar aggregate classification (germline): Uncertain significance (1 of 4 stars; one submission).

Submission:

Labcorp Genetics (formerly Invitae), Labcorp
Classification: Uncertain significance. Last evaluated: 2025-12-10. Review status: criteria provided, single submitter. Criteria: Invitae Variant Classification Sherloc (09022015). Collection method: clinical testing. Allele origin: germline.
Comment: This sequence change falls in intron 10 of the TRPV6 gene. It does not directly change the encoded amino acid sequence of the TRPV6 protein. This variant is present in population databases (no rsID available, gnomAD 0.0009%). This variant has not been reported in the literature in individuals affected with TRPV6-related conditions. Experimental studies and prediction algorithms are not available or were not evaluated, and the functional significance of this variant is currently unknown. In summary, the available evidence is currently insufficient to determine the role of this variant in disease. Therefore, it has been classified as a Variant of Uncertain Significance.

NM_018646.6(TRPV6):c.1384_1406+12dup

Gene: TRPV6 (transient receptor potential cation channel subfamily V member 6; minus strand). Cytogenetic location: 7q34.
Variant type: Indel.
Coding change: c.1384_1406+12dup on transcript NM_018646.6 (MANE Select); coding-DNA position 1384 through 12 bases into the intron after coding-DNA position 1406, 35 bases duplicated.
Molecular consequence: splice donor variant.
Genome position (GRCh38, 1-based): chr7:142,874,892-142,874,926, 35 bases duplicated; duplicating any 35 consecutive bases within chr7:142,874,892-142,874,931 gives the same sequence; the c. name uses the placement nearest the transcript's 3' end. GRCh37 (hg19): chr7:142,572,650-142,572,684.
Identifiers: ClinVar variation 4776360 (VCV004776360.1).